The following is an entry in ClinVar:

ClinVar aggregate classification (germline): Uncertain significance (1 of 4 stars; one submission).

Conditions:
Joubert syndrome. Also called: CEREBELLOPARENCHYMAL DISORDER IV; JOUBERT-BOLTSHAUSER SYNDROME; Familial aplasia of the vermis. Identifiers: Orphanet 475, MedGen C5979921, MONDO:0018772.
Nephronophthisis. Also called: Juvenile Nephronophthisis. Identifiers: Orphanet 655, MedGen C0687120, MONDO:0019005, HP:0000090.
Meckel-Gruber syndrome. Also called: DYSENCEPHALIA SPLANCHNOCYSTICA; GRUBER SYNDROME; Dysencephalia splachnocystica. Identifiers: Orphanet 564, MedGen C0265215, MONDO:0018921.

Submission:

Labcorp Genetics (formerly Invitae), Labcorp
Classification: Uncertain significance for Joubert syndrome; Meckel-Gruber syndrome; Nephronophthisis. Last evaluated: 2022-03-10. Review status: criteria provided, single submitter. Criteria: Invitae Variant Classification Sherloc (09022015). Collection method: clinical testing. Allele origin: germline.
Comment: In summary, the available evidence is currently insufficient to determine the role of this variant in disease. Therefore, it has been classified as a Variant of Uncertain Significance. Algorithms developed to predict the effect of missense changes on protein structure and function are either unavailable or do not agree on the potential impact of this missense change (SIFT: "Tolerated"; PolyPhen-2: "Probably Damaging"; Align-GVGD: "Class C0"). This variant has not been reported in the literature in individuals affected with CEP290-related conditions. This variant is not present in population databases (gnomAD no frequency). This sequence change replaces glutamine, which is neutral and polar, with arginine, which is basic and polar, at codon 342 of the CEP290 protein (p.Gln342Arg).

NM_025114.4(CEP290):c.1025A>G (p.Gln342Arg)

Gene: CEP290 (centrosomal protein 290; minus strand). Cytogenetic location: 12q21.32.
Variant type: single nucleotide variant.
Coding change: c.1025A>G on transcript NM_025114.4 (MANE Select); coding-DNA position 1025, A replaced by G.
Protein change: p.Gln342Arg; replaces glutamine 342 with arginine.
Molecular consequence: missense variant.
Genome position (GRCh38, 1-based): chr12:88,126,356, T>C on the plus strand (A>G on the coding strand, the complement: CEP290 is on the minus strand). VCF-style: chr12-88126356-T-C. GRCh37 (hg19) VCF-style: chr12-88520133-T-C.
Other names: short protein forms Q342R.
Identifiers: ClinVar variation 1409480 (VCV001409480.8), dbSNP rs2138022289, ClinGen allele CA385982780.